The following is an entry in ClinVar:

ClinVar aggregate classification (germline): Likely benign. Review status: criteria provided, multiple submitters, no conflicts (2 of 4 stars). 5 submissions from 5 submitters: Likely benign (5). Last evaluated 2025-10-14.

Conditions:
Cardiovascular phenotype. Identifiers: MedGen CN230736.
Cardiomyopathy (CMYO). Also called: Cardiomyopathies. Identifiers: Orphanet 167848, MedGen C0878544, MONDO:0004994, HP:0001638. Inheritance: Various modes of inheritance.
Dilated cardiomyopathy 1O (CMD1O). Also called: CARDIOMYOPATHY, DILATED, WITH VENTRICULAR TACHYCARDIA. Identifiers: Orphanet 154, MedGen C1837839, MONDO:0012062, OMIM 608569.

Allele frequency attached by ClinVar (database versions not stated): gnomAD 0.00001; TOPMed 0.00003; gnomAD exomes 0.00006; ExAC 0.00007.
gnomAD v4.1: 53 of 1,613,630 alleles (0.0033%); highest among the groups gnomAD compares: South Asian, 0.038%; no homozygotes.

Submissions (5):

Labcorp Genetics (formerly Invitae), Labcorp
Classification: Likely benign for Dilated cardiomyopathy 1O. Last evaluated: 2025-10-14. Review status: criteria provided, single submitter. Criteria: Invitae Variant Classification Sherloc (09022015). Collection method: clinical testing. Allele origin: germline.

Blueprint Genetics
Classification: Likely benign. Last evaluated: 2021-11-26. Review status: criteria provided, single submitter. Criteria: ACMG Guidelines, 2015. Collection method: clinical testing. Allele origin: germline.

Ambry Genetics
Classification: Likely benign for Cardiovascular phenotype. Last evaluated: 2021-07-21. Review status: criteria provided, single submitter. Criteria: Ambry Variant Classification Scheme 2023. Collection method: clinical testing. Allele origin: germline.

CHEO Genetics Diagnostic Laboratory, Children's Hospital of Eastern Ontario
Classification: Likely benign for Cardiomyopathy. Last evaluated: 2020-03-03. Review status: criteria provided, single submitter. Criteria: ACMG Guidelines, 2015. Collection method: clinical testing. Allele origin: germline.

GeneDx
Classification: Likely benign. Last evaluated: 2017-01-17. Review status: criteria provided, single submitter. Criteria: GeneDx Variant Classification (06012015). Collection method: clinical testing. Allele origin: germline. Affected: yes.
Comment: This variant is considered likely benign or benign based on one or more of the following criteria: it is a conservative change, it occurs at a poorly conserved position in the protein, it is predicted to be benign by multiple in silico algorithms, and/or has population frequency not consistent with disease.

NM_020297.4(ABCC9):c.3831T>A (p.Gly1277=)

Genes: ABCC9 (ATP binding cassette subfamily C member 9; minus strand), KCNJ8-AS1 (KCNJ8 antisense RNA 1; plus strand). Cytogenetic location: 12p12.1.
Variant type: single nucleotide variant.
Coding change: c.3831T>A on transcript NM_020297.4 (MANE Select); coding-DNA position 3831, T replaced by A.
Protein change: p.Gly1277=; no amino-acid change (glycine 1277 retained).
Molecular consequence: synonymous variant.
Genome position (GRCh38, 1-based): chr12:21,817,248, A>T on the plus strand (T>A on the coding strand, the complement: ABCC9 is on the minus strand). VCF-style: chr12-21817248-A-T. GRCh37 (hg19) VCF-style: chr12-21970182-A-T.
Other names: c.3831T>A, p.Gly1277= (NM_001377273.1, NM_005691.4); c.2964T>A, p.Gly988= (NM_001377274.1).
Identifiers: ClinVar variation 392766 (VCV000392766.14), dbSNP rs760351484, ClinGen allele CA6481013.